The following is an entry in ClinVar:

ClinVar aggregate classification (germline): Uncertain significance (1 of 4 stars; one submission).

Conditions:
Hereditary cancer-predisposing syndrome. Also called: Tumor predisposition; Neoplastic Syndromes, Hereditary; Hereditary Cancer Syndrome; Hereditary neoplastic syndrome. Identifiers: Orphanet 140162, MedGen C0027672, MeSH D009386, MONDO:0015356.

Submission:

Ambry Genetics
Classification: Uncertain significance for Hereditary cancer-predisposing syndrome. Last evaluated: 2024-11-14. Review status: criteria provided, single submitter. Criteria: Ambry Variant Classification Scheme 2023. Collection method: clinical testing. Allele origin: germline.
Comment: The p.V131L variant (also known as c.391G>C), located in coding exon 5 of the CDC73 gene, results from a G to C substitution at nucleotide position 391. The valine at codon 131 is replaced by leucine, an amino acid with highly similar properties. This amino acid position is conserved. In addition, this alteration is predicted to be tolerated by in silico analysis. Based on the available evidence, the clinical significance of this variant remains unclear.

NM_024529.5(CDC73):c.391G>C (p.Val131Leu)

Gene: CDC73 (cell division cycle 73; plus strand). Cytogenetic location: 1q31.2.
Variant type: single nucleotide variant.
Coding change: c.391G>C on transcript NM_024529.5 (MANE Select); coding-DNA position 391, G replaced by C.
Protein change: p.Val131Leu; replaces valine 131 with leucine.
Molecular consequence: missense variant.
Genome position (GRCh38, 1-based): chr1:193,135,557, G>C. VCF-style: chr1-193135557-G-C. GRCh37 (hg19) VCF-style: chr1-193104687-G-C.
Other names: short protein forms V131L.
Identifiers: ClinVar variation 3488537 (VCV003488537.1).
Genomic context (GRCh38, chr1:193,135,557, plus strand): 5'-TCCAAAACTACACATTTATTTACTTCTCTTTCTTTTATAGTCAAACGAGCTGCAGATGAA[G>C]TTTTAGCAGAAGCAAAGAAACCACGAATTGAGGTAAAGAAACTGTATTTTAAACAATTTT-3'
Protein context (NP_078805.3, residues 121-141): STQVKRAADE[Val131Leu]LAEAKKPRIE